The following is an entry in ClinVar:

ClinVar aggregate classification (germline): Uncertain significance. Review status: criteria provided, multiple submitters, no conflicts (2 of 4 stars). 3 submissions from 3 submitters: Uncertain significance (3). Last evaluated 2025-04-27.

Conditions:
MYH6-related disorder. Also called: MYH6-related condition; MYH6-Related Disorders.
Cardiovascular phenotype. Identifiers: MedGen CN230736.
Hypertrophic cardiomyopathy 14. Identifiers: MedGen C2750467, MONDO:0013197, OMIM 613251.

Allele frequency attached by ClinVar (database versions not stated): TOPMed 0.00002.
gnomAD v4.1: 44 of 1,614,076 alleles (0.0027%); highest among the groups gnomAD compares: Non-Finnish European, 0.0036%; no homozygotes.

Submissions (3):

PreventionGenetics, part of Exact Sciences
Classification: Uncertain significance for MYH6-related condition. Last evaluated: 2025-04-27. Review status: criteria provided, single submitter. Criteria: ACMG Guidelines, 2015. Collection method: clinical testing. Allele origin: germline.
Comment: The MYH6 c.5137G>C variant is predicted to result in the amino acid substitution p.Glu1713Gln. To our knowledge, this variant has not been reported in the literature or in a large population database (gnomAD), indicating this variant is rare. A different variant impacting the same amino acid (c.5137G>A (p.Glu1713Lys)) has been reported in an individual with left ventricular noncompaction (LVNC, Table 2, Hirono et al. 2020. PubMed ID: 32183154). At this time, the clinical significance of this variant is uncertain due to the absence of conclusive functional and genetic evidence.

Ambry Genetics
Classification: Uncertain significance for Cardiovascular phenotype. Last evaluated: 2024-10-01. Review status: criteria provided, single submitter. Criteria: Ambry Variant Classification Scheme 2023. Collection method: clinical testing. Allele origin: germline.

Labcorp Genetics (formerly Invitae), Labcorp
Classification: Uncertain significance for Hypertrophic cardiomyopathy 14. Last evaluated: 2022-12-23. Review status: criteria provided, single submitter. Criteria: Invitae Variant Classification Sherloc (09022015). Collection method: clinical testing. Allele origin: germline.
Comment: Advanced modeling of protein sequence and biophysical properties (such as structural, functional, and spatial information, amino acid conservation, physicochemical variation, residue mobility, and thermodynamic stability) has been performed at Invitae for this missense variant, however the output from this modeling did not meet the statistical confidence thresholds required to predict the impact of this variant on MYH6 protein function. ClinVar contains an entry for this variant (Variation ID: 239177). This variant has not been reported in the literature in individuals affected with MYH6-related conditions. This variant is not present in population databases (gnomAD no frequency). This sequence change replaces glutamic acid, which is acidic and polar, with glutamine, which is neutral and polar, at codon 1713 of the MYH6 protein (p.Glu1713Gln). In summary, the available evidence is currently insufficient to determine the role of this variant in disease. Therefore, it has been classified as a Variant of Uncertain Significance.

NM_002471.4(MYH6):c.5137G>C (p.Glu1713Gln)

Genes: MYH6 (myosin heavy chain 6; minus strand), LOC126861896 (BRD4-independent group 4 enhancer GRCh37_chr14:23854904-23856103; plus strand). Cytogenetic location: 14q11.2.
Variant type: single nucleotide variant.
Coding change: c.5137G>C on transcript NM_002471.4 (MANE Select); coding-DNA position 5137, G replaced by C.
Protein change: p.Glu1713Gln; replaces glutamic acid 1713 with glutamine.
Molecular consequence: missense variant.
Genome position (GRCh38, 1-based): chr14:23,385,954, C>G on the plus strand (G>C on the coding strand, the complement: MYH6 is on the minus strand). VCF-style: chr14-23385954-C-G. GRCh37 (hg19) VCF-style: chr14-23855163-C-G.
Other names: short protein forms E1713Q.
Identifiers: ClinVar variation 239177 (VCV000239177.13), dbSNP rs369275573, ClinGen allele CA10583165.
Genomic context (GRCh38, chr14:23,385,954, plus strand): 5'-TAGGTTTCCACAAGGTGGCTCCTGACCCCCTCACCTGGGAATGCAGCAGCTGCACCCGCT[C>G]GCTGGTCTCAATCAGCTCCTGCTCCGCCAGCTTCCGGGACCGCTCTGTCTGCTCCACCAC-3'
Protein context (NP_002462.2, residues 1703-1723): LAEQELIETS[Glu1713Gln]RVQLLHSQNT